The following is an entry in ClinVar:

ClinVar aggregate classification (germline): Uncertain significance. Review status: criteria provided, multiple submitters, no conflicts (2 of 4 stars). 2 submissions from 2 submitters: Uncertain significance (2). Last evaluated 2024-05-09.

Conditions:
Early-infantile DEE. Also called: Ohtahara syndrome; Early infantile epileptic encephalopathy with suppression bursts; Early infantile epileptic encephalopathy. Identifiers: Orphanet 1934, MedGen C0393706, MONDO:0800491.

Allele frequency attached by ClinVar (database versions not stated): gnomAD exomes below 0.00001; ExAC 0.00001.
gnomAD v4.1: 2 of 1,613,890 alleles (0.00012%); highest among the groups gnomAD compares: East Asian, 0.0022%; no homozygotes.

Submissions (2):

GeneDx
Classification: Uncertain significance. Last evaluated: 2024-05-09. Review status: criteria provided, single submitter. Criteria: GeneDx Variant Classification Process June 2021. Collection method: clinical testing. Allele origin: germline. Affected: yes.
Comment: In silico analysis supports that this missense variant has a deleterious effect on protein structure/function; Has not been previously published as pathogenic or benign to our knowledge; This substitution is predicted to be within the intracellular loop between the S2 and S3 transmembrane segments

Labcorp Genetics (formerly Invitae), Labcorp
Classification: Uncertain significance for Early-infantile DEE. Last evaluated: 2019-11-04. Review status: criteria provided, single submitter. Criteria: Invitae Variant Classification Sherloc (09022015). Collection method: clinical testing. Allele origin: germline.
Comment: This sequence change replaces arginine with histidine at codon 155 of the KCNQ2 protein (p.Arg155His). The arginine residue is highly conserved and there is a small physicochemical difference between arginine and histidine. This variant is present in population databases (rs779076192, ExAC 0.01%). In summary, the available evidence is currently insufficient to determine the role of this variant in disease. Therefore, it has been classified as a Variant of Uncertain Significance. Algorithms developed to predict the effect of missense changes on protein structure and function are either unavailable or do not agree on the potential impact of this missense change (SIFT: "Deleterious"; PolyPhen-2: "Probably Damaging"; Align-GVGD: "Class C0"). This variant has not been reported in the literature in individuals with KCNQ2-related conditions.

NM_172107.4(KCNQ2):c.464G>A (p.Arg155His)

Gene: KCNQ2 (potassium voltage-gated channel subfamily Q member 2; minus strand). Cytogenetic location: 20q13.33.
Variant type: single nucleotide variant.
Coding change: c.464G>A on transcript NM_172107.4 (MANE Select); coding-DNA position 464, G replaced by A.
Protein change: p.Arg155His; replaces arginine 155 with histidine.
Molecular consequence: missense variant.
Genome position (GRCh38, 1-based): chr20:63,445,288, C>T on the plus strand (G>A on the coding strand, the complement: KCNQ2 is on the minus strand). VCF-style: chr20-63445288-C-T. GRCh37 (hg19) VCF-style: chr20-62076641-C-T.
Other names: c.464G>A, p.Arg155His (NM_001382235.1, NM_004518.6, NM_172106.3 and 2 more transcripts); short protein forms R155H.
Identifiers: ClinVar variation 965462 (VCV000965462.11), dbSNP rs779076192, ClinGen allele CA9958812.